The following is an entry in ClinVar:

NM_024642.5(GALNT12):c.203C>T (p.Pro68Leu)

Gene: GALNT12 (polypeptide N-acetylgalactosaminyltransferase 12; plus strand). Cytogenetic location: 9q22.33.
Variant type: single nucleotide variant.
Coding change: c.203C>T on transcript NM_024642.5 (MANE Select); coding-DNA position 203, C replaced by T.
Protein change: p.Pro68Leu; replaces proline 68 with leucine.
Molecular consequence: missense variant.
Genome position (GRCh38, 1-based): chr9:98,807,901, C>T. VCF-style: chr9-98807901-C-T. GRCh37 (hg19) VCF-style: chr9-101570183-C-T.
Other names: short protein forms P68L.
Identifiers: ClinVar variation 1784871 (VCV001784871.2), dbSNP rs1835412517, ClinGen allele CA374222517.

ClinVar aggregate classification (germline): Uncertain significance (1 of 4 stars; one submission).

Submission:

Ambry Genetics
Classification: Uncertain significance. Last evaluated: 2021-06-22. Review status: criteria provided, single submitter. Criteria: Ambry Variant Classification Scheme 2023. Collection method: clinical testing. Allele origin: germline.
Comment: The p.P68L variant (also known as c.203C>T), located in coding exon 1 of the GALNT12 gene, results from a C to T substitution at nucleotide position 203. The proline at codon 68 is replaced by leucine, an amino acid with similar properties. This amino acid position is conserved. In addition, this alteration is predicted to be tolerated by in silico analysis. Since supporting evidence is limited at this time, the clinical significance of this alteration remains unclear.